The following is an entry in ClinVar:

NM_015178.3(RHOBTB2):c.1651A>G (p.Met551Val)

Gene: RHOBTB2 (Rho related BTB domain containing 2; plus strand). Cytogenetic location: 8p21.3.
Variant type: single nucleotide variant.
Coding change: c.1651A>G on transcript NM_015178.3 (MANE Select); coding-DNA position 1651, A replaced by G.
Protein change: p.Met551Val; replaces methionine 551 with valine.
Molecular consequence: missense variant.
Genome position (GRCh38, 1-based): chr8:23,010,568, A>G. VCF-style: chr8-23010568-A-G. GRCh37 (hg19) VCF-style: chr8-22868081-A-G.
Other names: c.1717A>G, p.Met573Val (NM_001160036.2); c.1672A>G, p.Met558Val (NM_001160037.2); c.1651A>G, p.Met551Val (NM_001374791.1); short protein forms M558V, M551V, M573V.
Identifiers: ClinVar variation 2135113 (VCV002135113.4), dbSNP rs1240749961, ClinGen allele CA370572154.

ClinVar aggregate classification (germline): Uncertain significance (1 of 4 stars; one submission).

gnomAD v4.1: 1 of 1,614,022 alleles (0.000062%); highest among the groups gnomAD compares: South Asian, 0.0011%; no homozygotes.

Submission:

Labcorp Genetics (formerly Invitae), Labcorp
Classification: Uncertain significance. Last evaluated: 2022-05-07. Review status: criteria provided, single submitter. Criteria: Invitae Variant Classification Sherloc (09022015). Collection method: clinical testing. Allele origin: germline.
Comment: In summary, the available evidence is currently insufficient to determine the role of this variant in disease. Therefore, it has been classified as a Variant of Uncertain Significance. Algorithms developed to predict the effect of missense changes on protein structure and function are either unavailable or do not agree on the potential impact of this missense change (SIFT: "Deleterious"; PolyPhen-2: "Possibly Damaging"; Align-GVGD: "Class C0"). This variant has not been reported in the literature in individuals affected with RHOBTB2-related conditions. This variant is not present in population databases (gnomAD no frequency). This sequence change replaces methionine, which is neutral and non-polar, with valine, which is neutral and non-polar, at codon 573 of the RHOBTB2 protein (p.Met573Val).